The following is an entry in ClinVar:

NM_025009.5(CEP135):c.2033G>A (p.Arg678Gln)

Gene: CEP135 (centrosomal protein 135; plus strand). Cytogenetic location: 4q12.
Variant type: single nucleotide variant.
Coding change: c.2033G>A on transcript NM_025009.5 (MANE Select); coding-DNA position 2033, G replaced by A.
Protein change: p.Arg678Gln; replaces arginine 678 with glutamine.
Molecular consequence: missense variant.
Genome position (GRCh38, 1-based): chr4:55,999,325, G>A. VCF-style: chr4-55999325-G-A. GRCh37 (hg19) VCF-style: chr4-56865491-G-A.
Other names: c.2033G>A (NM_025009.3); short protein forms R678Q.
Identifiers: ClinVar variation 1496386 (VCV001496386.9), dbSNP rs756603481, ClinGen allele CA2928042.
Genomic context (GRCh38, chr4:55,999,325, plus strand): 5'-AAAGAATACCATTTGTTTTTGTCCATTGATTCTTTAGGATAGTGAATGAGCAGCTACAGC[G>A]GTCAGTTGATGACTATCAGCACCGACTTTCCATAAAAAGAGGTGAACTTGAATCAGCCCA-3'
Protein context (NP_079285.2, residues 668-688): SLRIVNEQLQ[Arg678Gln]SVDDYQHRLS

ClinVar aggregate classification (germline): Uncertain significance. Review status: criteria provided, multiple submitters, no conflicts (2 of 4 stars). 2 submissions from 2 submitters: Uncertain significance (2). Last evaluated 2024-01-29.

Conditions:
Inborn genetic diseases. Identifiers: MedGen C0950123, MeSH D030342.

Allele frequency attached by ClinVar (database versions not stated): TOPMed 0.00001.
gnomAD v4.1: 18 of 1,613,926 alleles (0.0011%); highest among the groups gnomAD compares: South Asian, 0.0022%; no homozygotes.

Submissions (2):

Ambry Genetics
Classification: Uncertain significance for Inborn genetic diseases. Last evaluated: 2024-01-29. Review status: criteria provided, single submitter. Criteria: Ambry Variant Classification Scheme 2023. Collection method: clinical testing. Allele origin: germline.

Labcorp Genetics (formerly Invitae), Labcorp
Classification: Uncertain significance. Last evaluated: 2021-04-07. Review status: criteria provided, single submitter. Criteria: Invitae Variant Classification Sherloc (09022015). Collection method: clinical testing. Allele origin: germline.
Comment: Algorithms developed to predict the effect of missense changes on protein structure and function output the following: SIFT: "Tolerated"; PolyPhen-2: "Benign"; Align-GVGD: "Class C0". The glutamine amino acid residue is found in multiple mammalian species, suggesting that this missense change does not adversely affect protein function. These predictions have not been confirmed by published functional studies and their clinical significance is uncertain. In summary, the available evidence is currently insufficient to determine the role of this variant in disease. Therefore, it has been classified as a Variant of Uncertain Significance. This variant has not been reported in the literature in individuals with CEP135-related conditions. This sequence change replaces arginine with glutamine at codon 678 of the CEP135 protein (p.Arg678Gln). The arginine residue is moderately conserved and there is a small physicochemical difference between arginine and glutamine. This variant is present in population databases (rs756603481, ExAC 0.002%).